The following is an entry in ClinVar:

ClinVar aggregate classification (germline): Uncertain significance. Review status: criteria provided, multiple submitters, no conflicts (2 of 4 stars). 5 submissions from 5 submitters: Uncertain significance (5). Last evaluated 2025-11-27.

Conditions:
Lynch syndrome. Identifiers: Orphanet 144, MedGen C4552100, MONDO:0005835. Disease mechanism: loss of function.
Lynch syndrome 4 (LYNCH4). Also called: Colorectal cancer, hereditary nonpolyposis, type 4; Hereditary non-polyposis colorectal cancer, type 4. Identifiers: Orphanet 144, MedGen C1838333, MONDO:0013699, OMIM 614337. Disease mechanism: loss of function.
Mismatch repair cancer syndrome 4. Identifiers: MedGen C5436817, MONDO:0030843, OMIM 619101.
Hereditary nonpolyposis colorectal neoplasms. Identifiers: MedGen C0009405, MeSH D003123.
Hereditary cancer-predisposing syndrome. Also called: Tumor predisposition; Hereditary Cancer Syndrome; Hereditary neoplastic syndrome; Neoplastic Syndromes, Hereditary. Identifiers: Orphanet 140162, MedGen C0027672, MeSH D009386, MONDO:0015356.

Allele frequency attached by ClinVar (database versions not stated): gnomAD exomes below 0.00001; TOPMed 0.00002.

Submissions (5):

Labcorp Genetics (formerly Invitae), Labcorp
Classification: Uncertain significance for Hereditary nonpolyposis colorectal neoplasms. Last evaluated: 2025-11-27. Review status: criteria provided, single submitter. Criteria: Invitae Variant Classification Sherloc (09022015). Collection method: clinical testing. Allele origin: germline.
Comment: This sequence change disrupts the translational stop signal of the PMS2 mRNA. It is expected to extend the length of the PMS2 protein by 2 additional amino acid residues. The frequency data for this variant in the population databases (gnomAD) is considered unreliable due to the presence of homologous sequence, such as pseudogenes or paralogs, in the genome. This variant has not been reported in the literature in individuals affected with PMS2-related conditions. ClinVar contains an entry for this variant (Variation ID: 411040). Experimental studies and prediction algorithms are not available or were not evaluated, and the functional significance of this variant is currently unknown. Algorithms developed to predict the effect of sequence changes on RNA splicing suggest that this variant may create or strengthen a splice site. In summary, the available evidence is currently insufficient to determine the role of this variant in disease. Therefore, it has been classified as a Variant of Uncertain Significance.

Ambry Genetics
Classification: Uncertain significance for Hereditary cancer-predisposing syndrome. Last evaluated: 2023-12-18. Review status: criteria provided, single submitter. Criteria: Ambry Variant Classification Scheme 2023. Collection method: clinical testing. Allele origin: germline.
Comment: The c.2587T>G variant (also known as p.*863GEXT*2), located in coding exon 15 of the PMS2 gene, results from a T to G substitution at nucleotide position 2587. This alteration disrupts the stop codon of the PMS2 gene and is predicted to preserve the native sequence while resulting in the elongation of the protein by two amino acids. The exact functional effect of the additional amino acids is unknown. Since supporting evidence is limited at this time, the clinical significance of this alteration remains unclear.

Color Diagnostics, LLC DBA Color Health
Classification: Uncertain significance for Hereditary cancer-predisposing syndrome. Last evaluated: 2023-10-05. Review status: criteria provided, single submitter. Criteria: ACMG Guidelines, 2015. Collection method: clinical testing. Allele origin: germline.
Comment: This variant changes the translational stop signal of the PMS2 protein to Glycine. Translation read-through is expected to extend the length of the PMS2 protein by 1 additional amino acids. To our knowledge, functional studies have not been reported for this variant. This variant has not been reported in individuals affected with hereditary cancer in the literature. This variant has been identified in 1/201158 chromosomes in the general population by the Genome Aggregation Database (gnomAD). The available evidence is insufficient to determine the role of this variant in disease conclusively. Therefore, this variant is classified as a Variant of Uncertain Significance.

Department of Pathology and Laboratory Medicine, Sinai Health System
Classification: Uncertain significance for Lynch syndrome. Last evaluated: 2022-11-28. Review status: criteria provided, single submitter. Criteria: ACMG Guidelines, 2015. Collection method: clinical testing. Allele origin: germline. Affected: yes.

Fulgent Genetics
Classification: Uncertain significance for Lynch syndrome 4; Mismatch repair cancer syndrome 4. Last evaluated: 2022-03-01. Review status: criteria provided, single submitter. Criteria: ACMG Guidelines, 2015. Collection method: clinical testing. Allele origin: unknown.

NM_000535.7(PMS2):c.2587T>G (p.Ter863Gly)

Gene: PMS2 (PMS1 homolog 2, mismatch repair system component; minus strand). Cytogenetic location: 7p22.1.
Variant type: single nucleotide variant.
Coding change: c.2587T>G on transcript NM_000535.7 (MANE Select); coding-DNA position 2587, T replaced by G.
Protein change: p.Ter863Gly.
Molecular consequence: stop lost. On other transcripts: non-coding transcript variant (1).
Genome position (GRCh38, 1-based): chr7:5,973,401, A>C on the plus strand (T>G on the coding strand, the complement: PMS2 is on the minus strand). VCF-style: chr7-5973401-A-C. GRCh37 (hg19) VCF-style: chr7-6013032-A-C.
Other names: *863G; *672G; *676G; *728G; *760G; *739G; *874G; *552G; and 12 more.
Identifiers: ClinVar variation 411040 (VCV000411040.18), dbSNP rs1060503124, ClinGen allele CA16612251.